The following is an entry in ClinVar:

NM_005732.4(RAD50):c.1141G>C (p.Asp381His)

Gene: RAD50 (RAD50 double strand break repair protein; plus strand). Cytogenetic location: 5q31.1.
Variant type: single nucleotide variant.
Coding change: c.1141G>C on transcript NM_005732.4 (MANE Select); coding-DNA position 1141, G replaced by C.
Protein change: p.Asp381His; replaces aspartic acid 381 with histidine.
Molecular consequence: missense variant.
Genome position (GRCh38, 1-based): chr5:132,588,776, G>C. VCF-style: chr5-132588776-G-C. GRCh37 (hg19) VCF-style: chr5-131924468-G-C.
Other names: short protein forms D381H.
Identifiers: ClinVar variation 484684 (VCV000484684.14), dbSNP rs876659225, ClinGen allele CA360942630.

ClinVar aggregate classification (germline): Uncertain significance. Review status: criteria provided, multiple submitters, no conflicts (2 of 4 stars). 2 submissions from 2 submitters: Uncertain significance (2). Last evaluated 2020-03-03.

Conditions:
Hereditary cancer-predisposing syndrome. Also called: Neoplastic Syndromes, Hereditary; Tumor predisposition; Hereditary Cancer Syndrome; Hereditary neoplastic syndrome. Identifiers: Orphanet 140162, MedGen C0027672, MeSH D009386, MONDO:0015356.

Submissions (2):

Labcorp Genetics (formerly Invitae), Labcorp
Classification: Uncertain significance for Hereditary cancer-predisposing syndrome. Last evaluated: 2020-03-03. Review status: criteria provided, single submitter. Criteria: Invitae Variant Classification Sherloc (09022015). Collection method: clinical testing. Allele origin: germline.
Comment: In summary, the available evidence is currently insufficient to determine the role of this variant in disease. Therefore, it has been classified as a Variant of Uncertain Significance. Algorithms developed to predict the effect of missense changes on protein structure and function (SIFT, PolyPhen-2, Align-GVGD) all suggest that this variant is likely to be tolerated, but these predictions have not been confirmed by published functional studies and their clinical significance is uncertain. This variant has not been reported in the literature in individuals with RAD50-related conditions. ClinVar contains an entry for this variant (Variation ID: 484684). This variant is not present in population databases (ExAC no frequency). This sequence change replaces aspartic acid with histidine at codon 381 of the RAD50 protein (p.Asp381His). The aspartic acid residue is moderately conserved and there is a moderate physicochemical difference between aspartic acid and histidine.

Ambry Genetics
Classification: Uncertain significance for Hereditary cancer-predisposing syndrome. Last evaluated: 2016-11-07. Review status: criteria provided, single submitter. Criteria: Ambry Variant Classification Scheme 2023. Collection method: clinical testing. Allele origin: germline.
Comment: The p.D381H variant (also known as c.1141G>C), located in coding exon 8 of the RAD50 gene, results from a G to C substitution at nucleotide position 1141. The aspartic acid at codon 381 is replaced by histidine, an amino acid with similar properties. This variant was not reported in population based cohorts in the following databases: Database of Single Nucleotide Polymorphisms (dbSNP), NHLBI Exome Sequencing Project (ESP), and 1000 Genomes Project. In the ESP, this variant was not observed in 6503 samples (13006 alleles) with coverage at this position. To date, this alteration has been detected with an allele frequency of approximately 0.001% (greater than 175000 alleles tested) in our clinical cohort. This amino acid position is well conserved in available vertebrate species. In addition, this alteration is predicted to be tolerated by in silico analysis. Since supporting evidence is limited at this time, the clinical significance of this alteration remains unclear.